The following is an entry in ClinVar:

ClinVar aggregate classification (germline): Conflicting classifications of pathogenicity. Review status: criteria provided, conflicting classifications (1 of 4 stars). 3 submissions from 3 submitters: Uncertain significance (2); Likely benign (1). Last evaluated 2026-05-20.

Conditions:
Inborn genetic diseases. Identifiers: MedGen C0950123, MeSH D030342.
Intellectual disability, CASK-related, X-linked. Identifiers: MedGen CN043158.

Allele frequency attached by ClinVar (database versions not stated): TOPMed 0.00002; gnomAD 0.00001.
gnomAD v4.1: 4 of 1,208,576 alleles (0.00033%); highest among the groups gnomAD compares: Non-Finnish European, 0.00045%; no homozygotes.

Submissions (3):

Ambry Genetics
Classification: Likely benign for Inborn genetic diseases. Last evaluated: 2026-05-20. Review status: criteria provided, single submitter. Criteria: Ambry Variant Classification Scheme 2023. Collection method: clinical testing. Allele origin: germline.

Labcorp Genetics (formerly Invitae), Labcorp
Classification: Uncertain significance for Intellectual disability, CASK-related, X-linked. Last evaluated: 2023-06-05. Review status: criteria provided, single submitter. Criteria: Invitae Variant Classification Sherloc (09022015). Collection method: clinical testing. Allele origin: germline.
Comment: In summary, the available evidence is currently insufficient to determine the role of this variant in disease. Therefore, it has been classified as a Variant of Uncertain Significance. Advanced modeling of protein sequence and biophysical properties (such as structural, functional, and spatial information, amino acid conservation, physicochemical variation, residue mobility, and thermodynamic stability) has been performed at Invitae for this missense variant, however the output from this modeling did not meet the statistical confidence thresholds required to predict the impact of this variant on CASK protein function. ClinVar contains an entry for this variant (Variation ID: 376867). This variant has not been reported in the literature in individuals affected with CASK-related conditions. This variant is not present in population databases (gnomAD no frequency). This sequence change replaces threonine, which is neutral and polar, with serine, which is neutral and polar, at codon 573 of the CASK protein (p.Thr573Ser).

Center for Pediatric Genomic Medicine, Children's Mercy Hospital and Clinics
Classification: Uncertain significance. Last evaluated: 2016-08-19. Review status: criteria provided, single submitter. Criteria: ACMG Guidelines, 2015. Collection method: clinical testing. Allele origin: germline.
ClinVar note: Converted during submission from Uncertain Significance to Uncertain significance.

NM_001367721.1(CASK):c.1717A>T (p.Thr573Ser)

Gene: CASK (calcium/calmodulin dependent serine protein kinase; minus strand). Cytogenetic location: Xp11.4.
Variant type: single nucleotide variant.
Coding change: c.1717A>T on transcript NM_001367721.1 (MANE Select); coding-DNA position 1717, A replaced by T.
Protein change: p.Thr573Ser; replaces threonine 573 with serine.
Molecular consequence: missense variant.
Genome position (GRCh38, 1-based): chrX:41,559,799, T>A on the plus strand (A>T on the coding strand, the complement: CASK is on the minus strand). VCF-style: chrX-41559799-T-A. GRCh37 (hg19) VCF-style: chrX-41419052-T-A.
Other names: c.1717A>T, p.Thr573Ser (NM_001126054.3, NM_003688.4); c.1699A>T, p.Thr567Ser (NM_001126055.3, NM_001410745.1); short protein forms T573S, T567S.
Identifiers: ClinVar variation 376867 (VCV000376867.16), dbSNP rs900079494, ClinGen allele CA16603192.